The following is an entry in ClinVar:

ClinVar aggregate classification (germline): Uncertain significance (1 of 4 stars; one submission).

Submission:

Labcorp Genetics (formerly Invitae), Labcorp
Classification: Uncertain significance. Last evaluated: 2022-07-06. Review status: criteria provided, single submitter. Criteria: Invitae Variant Classification Sherloc (09022015). Collection method: clinical testing. Allele origin: germline.
Comment: This sequence change replaces arginine, which is basic and polar, with tryptophan, which is neutral and slightly polar, at codon 268 of the SAMD11 protein (p.Arg268Trp). This variant is present in population databases (rs763142780, gnomAD 0.01%). This variant has not been reported in the literature in individuals affected with SAMD11-related conditions. ClinVar contains an entry for this variant (Variation ID: 1434073). Algorithms developed to predict the effect of missense changes on protein structure and function are either unavailable or do not agree on the potential impact of this missense change (SIFT: "Deleterious"; PolyPhen-2: "Probably Damaging"; Align-GVGD: "Class C0"). In summary, the available evidence is currently insufficient to determine the role of this variant in disease. Therefore, it has been classified as a Variant of Uncertain Significance.

NM_001385641.1(SAMD11):c.1291C>T (p.Arg431Trp)

Gene: SAMD11 (sterile alpha motif domain containing 11; plus strand). Cytogenetic location: 1p36.33.
Variant type: single nucleotide variant.
Coding change: c.1291C>T on transcript NM_001385641.1 (MANE Select); coding-DNA position 1291, C replaced by T.
Protein change: p.Arg431Trp; replaces arginine 431 with tryptophan.
Molecular consequence: missense variant.
Genome position (GRCh38, 1-based): chr1:941,239, C>T. VCF-style: chr1-941239-C-T. GRCh37 (hg19) VCF-style: chr1-876619-C-T.
Other names: c.1294C>T, p.Arg432Trp (NM_001385640.1); c.802C>T, p.Arg268Trp (NM_152486.4); short protein forms R268W, R432W, R431W.
Identifiers: ClinVar variation 1434073 (VCV001434073.3), dbSNP rs763142780, ClinGen allele CA502813.